The following is an entry in ClinVar:

ClinVar aggregate classification (germline): Uncertain significance. Review status: criteria provided, multiple submitters, no conflicts (2 of 4 stars). 2 submissions from 2 submitters: Uncertain significance (2). Last evaluated 2021-10-18.

gnomAD v4.1: 2 of 1,612,460 alleles (0.00012%); highest among the groups gnomAD compares: Non-Finnish European, 0.00017%; no homozygotes.

Submissions (2):

Blueprint Genetics
Classification: Uncertain significance. Last evaluated: 2021-10-18. Review status: criteria provided, single submitter. Criteria: ACMG Guidelines, 2015. Collection method: clinical testing. Allele origin: germline.

Labcorp Genetics (formerly Invitae), Labcorp
Classification: Uncertain significance. Last evaluated: 2021-09-26. Review status: criteria provided, single submitter. Criteria: Invitae Variant Classification Sherloc (09022015). Collection method: clinical testing. Allele origin: germline.
Comment: In summary, the available evidence is currently insufficient to determine the role of this variant in disease. Therefore, it has been classified as a Variant of Uncertain Significance. Algorithms developed to predict the effect of missense changes on protein structure and function (SIFT, PolyPhen-2, Align-GVGD) all suggest that this variant is likely to be tolerated. This variant has not been reported in the literature in individuals affected with SEMA4A-related conditions. This variant is not present in population databases (ExAC no frequency). This sequence change replaces serine with arginine at codon 252 of the SEMA4A protein (p.Ser252Arg). The serine residue is moderately conserved and there is a moderate physicochemical difference between serine and arginine.

NM_022367.4(SEMA4A):c.756C>A (p.Ser252Arg)

Gene: SEMA4A (semaphorin 4A; plus strand). Cytogenetic location: 1q22.
Variant type: single nucleotide variant.
Coding change: c.756C>A on transcript NM_022367.4 (MANE Select); coding-DNA position 756, C replaced by A.
Protein change: p.Ser252Arg; replaces serine 252 with arginine.
Molecular consequence: missense variant.
Genome position (GRCh38, 1-based): chr1:156,160,975, C>A. VCF-style: chr1-156160975-C-A. GRCh37 (hg19) VCF-style: chr1-156130766-C-A.
Other names: c.756C>A, p.Ser252Arg (NM_001193300.2, NM_001193301.2, NM_001370567.1); c.360C>A, p.Ser120Arg (NM_001193302.2); c.459C>A, p.Ser153Arg (NM_001370568.1); c.249C>A, p.Ser83Arg (NM_001370569.1, NM_001370571.1); short protein forms S153R, S120R, S252R, S83R.
Identifiers: ClinVar variation 1418064 (VCV001418064.7), dbSNP rs2102957097, ClinGen allele CA342838580.
Genomic context (GRCh38, chr1:156,160,975, plus strand): 5'-CTTTGTGGCAGCCATCCCTTCGACCCAGGTCGTCTACTTCTTCTTCGAGGAGACAGCCAG[C>A]GAGTTTGACTTCTTTGAGAGGCTCCACACATCGCGGGTGGCTAGAGTCTGCAAGGTCCGC-3'
Protein context (NP_071762.2, residues 242-262): VVYFFFEETA[Ser252Arg]EFDFFERLHT